The following is an entry in ClinVar:

ClinVar aggregate classification (germline): Uncertain significance (1 of 4 stars; one submission).

Allele frequency attached by ClinVar (database versions not stated): ExAC 0.00004; TOPMed 0.00005; gnomAD 0.00009; 1000 Genomes Project 30x 0.00031; 1000 Genomes Project 0.00040.
gnomAD v4.1: 22 of 1,543,518 alleles (0.0014%); highest among the groups gnomAD compares: African/African-American, 0.023%; no homozygotes.

Submission:

Labcorp Genetics (formerly Invitae), Labcorp
Classification: Uncertain significance. Last evaluated: 2022-12-08. Review status: criteria provided, single submitter. Criteria: Invitae Variant Classification Sherloc (09022015). Collection method: clinical testing. Allele origin: germline.
Comment: This sequence change replaces glutamine, which is neutral and polar, with leucine, which is neutral and non-polar, at codon 846 of the TNK2 protein (p.Gln846Leu). This variant is present in population databases (rs572068450, gnomAD 0.03%). This variant has not been reported in the literature in individuals affected with TNK2-related conditions. Algorithms developed to predict the effect of missense changes on protein structure and function (SIFT, PolyPhen-2, Align-GVGD) all suggest that this variant is likely to be tolerated. In summary, the available evidence is currently insufficient to determine the role of this variant in disease. Therefore, it has been classified as a Variant of Uncertain Significance.

NM_001382273.1(TNK2):c.2348A>T (p.Gln783Leu)

Gene: TNK2 (tyrosine kinase non receptor 2; minus strand). Cytogenetic location: 3q29.
Variant type: single nucleotide variant.
Coding change: c.2348A>T on transcript NM_001382273.1 (MANE Select); coding-DNA position 2348, A replaced by T.
Protein change: p.Gln783Leu; replaces glutamine 783 with leucine.
Molecular consequence: missense variant. On other transcripts: non-coding transcript variant (15).
Genome position (GRCh38, 1-based): chr3:195,867,950, T>A on the plus strand (A>T on the coding strand, the complement: TNK2 is on the minus strand). VCF-style: chr3-195867950-T-A. GRCh37 (hg19) VCF-style: chr3-195594821-T-A.
Other names: c.2420A>T, p.Gln807Leu (NM_001010938.2, NM_001382272.1); c.2399A>T, p.Gln800Leu (NM_001308046.2, NM_001382271.1); c.2348A>T, p.Gln783Leu (NM_001382274.1, NM_001387716.1, NM_001387717.1 and 1 more transcripts); c.2444A>T, p.Gln815Leu (NM_001382275.1, NM_001387707.1); c.2303A>T, p.Gln768Leu (NM_001386164.1, NM_001387709.1, NM_001387710.1 and 8 more transcripts); c.2375A>T, p.Gln792Leu (NM_001387708.1, NM_001387715.1); short protein forms Q800L, Q815L, Q768L, Q783L, Q807L, Q792L.
Identifiers: ClinVar variation 2141455 (VCV002141455.4), dbSNP rs572068450, ClinGen allele CA2775957.